The following is an entry in ClinVar:

ClinVar aggregate classification (germline): Pathogenic. Review status: criteria provided, multiple submitters, no conflicts (2 of 4 stars). 3 submissions from 3 submitters: Pathogenic (3). Last evaluated 2021-08-28.

Conditions:
Developmental and epileptic encephalopathy. Identifiers: MedGen C5779964, MONDO:0100620.
Severe myoclonic epilepsy in infancy (DRVT). Also called: Epileptic encephalopathy, early infantile, 6 (Dravet syndrome); SEVERE MYOCLONIC EPILEPSY OF INFANCY; DEVELOPMENTAL AND EPILEPTIC ENCEPHALOPATHY 6A; Severe Myoclonic Epilepsy in Infancy (SMEI); Dravet syndrome. Identifiers: Orphanet 33069, MedGen C0751122, MONDO:0100135, OMIM 607208.

Submissions (3):

Labcorp Genetics (formerly Invitae), Labcorp
Classification: Pathogenic for Early-infantile DEE. Last evaluated: 2021-08-28. Review status: criteria provided, single submitter. Criteria: Invitae Variant Classification Sherloc (09022015). Collection method: clinical testing. Allele origin: germline.

GeneDx
Classification: Pathogenic. Last evaluated: 2017-07-13. Review status: criteria provided, single submitter. Criteria: GeneDx Variant Classification (06012015). Collection method: clinical testing. Allele origin: germline. Affected: yes.
Comment: p.Pro113Thr (CCC>ACC): c.337 C>A in exon 2 of the SCN1A gene (NM_001165963.1) The Pro113Thr missense change has not been published as a mutation, nor has it been reported as a benign polymorphism to our knowledge. It was not observed in approximately 6,500 individuals of European and African American ancestry in the NHLBI Exome Sequencing Project, indicating it is not a common benign variant in these populations. This variant is a non-conservative amino acid substitution of a non-polar Proline residue with a polar Threonine residue and the loss of a Proline may affect the secondary structure of the SCN1A protein. Pro113Thr alters a highly conserved position in the N-terminal region of the protein and multiple missense mutations at nearby codons have been reported in association with an SCN1A-related disorder. Additionally, in silico analysis predicts this variant is probably damaging to the protein structure/function. Therefore, based on the currently available information, Pro113Thr is a strong candidate for a disease-causing mutation. This variant has been observed de novo without verified parentage. The variant is found in INFANT-EPI panel(s).

Center for Bioinformatics, Peking University
Classification: Pathogenic for Dravet syndrome. Last evaluated: 2014-12-20. Review status: criteria provided, single submitter. Criteria: Xu et al. (Hum Mutat. 2015). Collection method: research. Allele origin: paternal. Affected: yes. Observed: 2 variant alleles. Study: University Clinical Cooperation “985 Project” PKU-2014-1-1.
Comment: Dravet syndrome (DS) probands were recruited from the outpatient and inpatient child neurology units of Peking University First Hospital from 2005 till present. The study was approved by the Ethics Committee of Peking University First Hospital and the Institutional Review Board at Peking University. Participants or their parents provided written informed consent before enrollment. We collected a total of 267 mutations from 255 families with probands diagnosed with DS in China. All probands fulfilled the clinical diagnostic criteria.

NM_001165963.4(SCN1A):c.337C>A (p.Pro113Thr)

Gene: SCN1A (sodium voltage-gated channel alpha subunit 1; minus strand). Cytogenetic location: 2q24.3.
Variant type: single nucleotide variant.
Coding change: c.337C>A on transcript NM_001165963.4 (MANE Select); coding-DNA position 337, C replaced by A.
Protein change: p.Pro113Thr; replaces proline 113 with threonine.
Molecular consequence: missense variant. On other transcripts: 5 prime UTR variant (1), non-coding transcript variant (1).
Genome position (GRCh38, 1-based): chr2:166,058,616, G>T on the plus strand (C>A on the coding strand, the complement: SCN1A is on the minus strand). VCF-style: chr2-166058616-G-T. GRCh37 (hg19) VCF-style: chr2-166915126-G-T.
Other names: p.P113T:CCC>ACC; c.337C>A, p.Pro113Thr (NM_001165964.3, NM_001202435.3, NM_001353948.2 and 10 more transcripts); c.-2089C>A (NM_001353961.2); short protein forms P113T.
Identifiers: ClinVar variation 189862 (VCV000189862.6), dbSNP rs794726711, ClinGen allele CA303135.